The following is an entry in ClinVar:

ClinVar aggregate classification (germline): Uncertain significance (1 of 4 stars; one submission).

Submission:

CeGaT Center for Human Genetics Tuebingen
Classification: Uncertain significance. Last evaluated: 2023-03-01. Review status: criteria provided, single submitter. Criteria: CeGaT Center For Human Genetics Tuebingen Variant Classification Criteria Version 2. Collection method: clinical testing. Allele origin: germline. Affected: yes. Observed: 1 variant allele.
Comment: PI4KB: PM2

NM_001369623.2(PI4KB):c.47_58del (p.Glu16_Ser19del)

Gene: PI4KB (phosphatidylinositol 4-kinase beta; minus strand). Cytogenetic location: 1q21.3.
Variant type: Deletion.
Coding change: c.47_58del on transcript NM_001369623.2 (MANE Select); coding-DNA positions 47 to 58, 12 bases deleted (AGCCCACTTCTG).
Protein change: p.Glu16_Ser19del.
Molecular consequence: inframe deletion. On other transcripts: intron variant (1).
Genome position (GRCh38, 1-based): chr1:151,316,424-151,316,435, CAGAAGTGGGCT deleted on the plus strand (AGCCCACTTCTG on the coding strand, the reverse complement: PI4KB is on the minus strand); deleting any 12 consecutive bases within chr1:151,316,424-151,316,442 gives the same sequence; the c. name uses the placement nearest the transcript's 3' end. VCF-style (leftmost placement, unchanged base first): chr1-151316423-CCAGAAGTGGGCT-C. GRCh37 (hg19) VCF-style: chr1-151288899-CCAGAAGTGGGCT-C.
Other names: c.83_94del, p.Glu28_Ser31del (NM_001369625.1, NM_001369628.1, NM_002651.4); c.47_58del, p.Glu16_Ser19del (NM_001369626.1, NM_001369629.2, NM_001198773.3 and 3 more transcripts); c.-42-8634_-42-8623del (NM_001198775.3).
Identifiers: ClinVar variation 2639171 (VCV002639171.24), dbSNP rs2528861039, ClinGen allele CA2647910740.
Genomic context (GRCh38, chr1:151,316,423, plus strand): 5'-AGTTCCCCGACCCCCTCCGTGATGACACTTAGCAGGGACCCCCCATTATTCCCTGGTGGG[CCAGAAGTGGGCT>C]CAGAAGTTGGCTTCAAGGGGGCAGGCTCCACTACTGTATCTCCCATGGCCACAGCCAGAC-3'